The following is an entry in ClinVar:

ClinVar aggregate classification (germline): Likely pathogenic. Review status: criteria provided, single submitter (1 of 4 stars). 2 submissions from 2 submitters: Likely pathogenic (1). 1 of the submissions does not count toward it. Last evaluated 2025-10-30.

Conditions:
Autosomal recessive Alport syndrome (ATS2). Also called: ALPORT SYNDROME 2, AUTOSOMAL RECESSIVE; COL4A3-Related Nephropathy; Alport syndrome type 2; COL4A4 Alport Syndrome and Thin Basement Membrane Nephropathy. Identifiers: Orphanet 63, Orphanet 88919, MedGen C4746745, MONDO:0008762, OMIM 203780.

Submissions (2):

Women's Health and Genetics/Laboratory Corporation of America, LabCorp
Classification: Likely pathogenic for Autosomal recessive Alport syndrome. Last evaluated: 2025-10-30. Review status: criteria provided, single submitter. Criteria: LabCorp Variant Classification Summary - May 2015. Collection method: clinical testing. Allele origin: germline.
Comment: Variant summary: COL4A3 c.4929-388G>T is located at a position not widely known to affect splicing. Several computational tools predict a significant impact on normal splicing: Two predict the variant strengthens a cryptic 3' acceptor site. At least one publication reports experimental evidence that this variant affects mRNA splicing (Knebelman_1995). The variant allele was found at a frequency of 0.00047 in 25388 control chromosomes (gnomAD). This frequency is not significantly higher than estimated for disease-causing variants in COL4A3, allowing no conclusion about variant significance. c.4929-388G>T has been observed in individuals affected with Alport Syndrome, Autosomal Recessive (Knebelman_1995, Vorechovsky_2010). These data indicate that the variant may be associated with disease. The following publications have been ascertained in the context of this evaluation (PMID: 7633417, 19823873). ClinVar contains an entry for this variant (Variation ID: 17488). Based on the evidence outlined above, the variant was classified as likely pathogenic.

OMIM
Classification: Pathogenic for ALPORT SYNDROME 2, AUTOSOMAL RECESSIVE. Last evaluated: 1998-01-01. Review status: no assertion criteria provided. Collection method: literature only. Allele origin: germline. Not counted in ClinVar's aggregate classification.

Literature cited by the submitters: PubMed 19823873 (cited by Women's Health and Genetics/Laboratory Corporation of America, LabCorp); PubMed 7633417 (cited by Women's Health and Genetics/Laboratory Corporation of America, LabCorp and OMIM); PubMed 9647515 (cited by OMIM).

NM_000091.5(COL4A3):c.4929-388G>T

Genes: MFF-DT (MFF divergent transcript; minus strand), COL4A3 (collagen type IV alpha 3 chain; plus strand). Cytogenetic location: 2q36.3.
Variant type: single nucleotide variant.
Coding change: c.4929-388G>T on transcript NM_000091.5 (MANE Select); 388 bases into the intron before coding-DNA position 4929, G replaced by T.
Molecular consequence: intron variant.
Genome position (GRCh38, 1-based): chr2:227,311,398, G>T. VCF-style: chr2-227311398-G-T. GRCh37 (hg19) VCF-style: chr2-228176114-G-T.
Other names: ALU INS, EX6.
Identifiers: ClinVar variation 17488 (VCV000017488.2), dbSNP rs1325453230, ClinGen allele CA539907209.